The following is an entry in ClinVar:

ClinVar aggregate classification (germline): Likely benign (1 of 4 stars; one submission).

Submission:

CeGaT Center for Human Genetics Tuebingen
Classification: Likely benign. Last evaluated: 2026-08-01. Review status: criteria provided, single submitter. Criteria: CeGaT Center For Human Genetics Tuebingen Variant Classification Criteria Version 2. Collection method: clinical testing. Allele origin: germline. Affected: yes. Observed: 3 variant alleles.
Comment: NACAD: PM2:Supporting, BP4, BP7

NM_001146334.2(NACAD):c.2202G>A (p.Ser734=)

Gene: NACAD (NAC alpha domain containing; minus strand). Cytogenetic location: 7p13.
Variant type: single nucleotide variant.
Coding change: c.2202G>A on transcript NM_001146334.2 (MANE Select); coding-DNA position 2202, G replaced by A.
Protein change: p.Ser734=; no amino-acid change (serine 734 retained).
Molecular consequence: synonymous variant.
Genome position (GRCh38, 1-based): chr7:45,083,978, C>T on the plus strand (G>A on the coding strand, the complement: NACAD is on the minus strand). VCF-style: chr7-45083978-C-T. GRCh37 (hg19) VCF-style: chr7-45123577-C-T.
Identifiers: ClinVar variation 2657446 (VCV002657446.24), dbSNP rs1554384055, ClinGen allele CA455151615.
Genomic context (GRCh38, chr7:45,083,978, plus strand): 5'-GAGGCCCTCTTCAGCCTGCTGGGACACAAGCGTGGCTGCAGCCACAGGCTTTGGGGCTGA[C>T]GAGAGATCTGTGTCTTGTAGGGGCAGAGGCGGTGTCATAGCGGAGTCCTGGGGTAAGGTG-3'
Protein context (NP_001139806.1, residues 724-744): PPLPLQDTDL[Ser734=]SAPKPVAAAT